The following is an entry in ClinVar:

ClinVar aggregate classification (germline): Conflicting classifications of pathogenicity. Review status: criteria provided, conflicting classifications (1 of 4 stars). 4 submissions from 4 submitters: Uncertain significance (3); Benign (1). Last evaluated 2026-01-14.

Conditions:
Primary ciliary dyskinesia. Also called: Ciliary dyskinesia. Identifiers: Orphanet 244, MedGen C0008780, MONDO:0016575, HP:0012265.

Allele frequency attached by ClinVar (database versions not stated): TOPMed 0.00013; gnomAD exomes 0.00016 and 0.00024; gnomAD 0.00021; ExAC 0.00032; ESP Exome Variant Server 0.00033.
gnomAD v4.1: 269 of 1,613,196 alleles (0.017%); highest among the groups gnomAD compares: Non-Finnish European, 0.019%; 1 homozygote.

Submissions (4):

Labcorp Genetics (formerly Invitae), Labcorp
Classification: Benign for Primary ciliary dyskinesia. Last evaluated: 2026-01-14. Review status: criteria provided, single submitter. Criteria: Invitae Variant Classification Sherloc (09022015). Collection method: clinical testing. Allele origin: germline.

Mayo Clinic Laboratories, Mayo Clinic
Classification: Uncertain significance. Last evaluated: 2025-09-18. Review status: criteria provided, single submitter. Criteria: ACMG Guidelines, 2015. Collection method: clinical testing. Allele origin: germline. Observed: 1 variant allele.
Comment: PP3

Ambry Genetics
Classification: Uncertain significance for Primary ciliary dyskinesia. Last evaluated: 2025-01-29. Review status: criteria provided, single submitter. Criteria: Ambry Variant Classification Scheme 2023. Collection method: clinical testing. Allele origin: germline.

Blueprint Genetics
Classification: Uncertain significance. Last evaluated: 2024-10-08. Review status: criteria provided, single submitter. Criteria: ACMG Guidelines, 2015. Collection method: clinical testing. Allele origin: germline.

NM_001277115.2(DNAH11):c.8572G>A (p.Gly2858Ser)

Gene: DNAH11 (dynein axonemal heavy chain 11; plus strand). Cytogenetic location: 7p15.3.
Variant type: single nucleotide variant.
Coding change: c.8572G>A on transcript NM_001277115.2 (MANE Select); coding-DNA position 8572, G replaced by A.
Protein change: p.Gly2858Ser; replaces glycine 2858 with serine.
Molecular consequence: missense variant.
Genome position (GRCh38, 1-based): chr7:21,748,641, G>A. VCF-style: chr7-21748641-G-A. GRCh37 (hg19) VCF-style: chr7-21788259-G-A.
Other names: p.Gly2858Ser; short protein forms G2858S.
Identifiers: ClinVar variation 359660 (VCV000359660.14), dbSNP rs201501951, ClinGen allele CA4181647.
Genomic context (GRCh38, chr7:21,748,641, plus strand): 5'-TGTCGCATCAGCCGGATCTTACGAACCCCTCAGGGCTGTGCTCTCTTGGTTGGAGTTGGG[G>A]GCAGTGGCAAGCAGAGCTTGTCCAGGCTGGCAGCTTACCTTCGTGGCCTTGAGGTCTTTC-3'
Protein context (NP_001264044.1, residues 2848-2868): QGCALLVGVG[Gly2858Ser]SGKQSLSRLA